The following is an entry in ClinVar:

ClinVar aggregate classification (germline): Likely pathogenic (1 of 4 stars; one submission).

Submission:

Genetic Services Laboratory, University of Chicago
Classification: Likely pathogenic. Last evaluated: 2021-08-31. Review status: criteria provided, single submitter. Criteria: ACMG Guidelines, 2015. Collection method: clinical testing. Allele origin: germline. Affected: yes.
Comment: DNA sequence analysis of the LRBA gene demonstrated a one base pair deletion in exon 4, c.459del. This sequence change results in an amino acid frameshift and creates a premature stop codon 10 amino acids downstream of the change, p.Asp154Thrfs*11. This sequence change is predicted to result in an abnormal transcript, which may be degraded, or may lead to the production of a truncated LRBA protein with potentially abnormal function. While this deletion has not previously been described in the literature, other truncating variants and deletions in the LRBA gene have been described in several patients with LRBA-related disorders (PMIDs: 26745254, 32506362).

NM_001364905.1(LRBA):c.459del (p.Asp154fs)

Gene: LRBA (LPS responsive beige-like anchor protein; minus strand). Cytogenetic location: 4q31.3.
Variant type: Deletion.
Coding change: c.459del on transcript NM_001364905.1 (MANE Select); coding-DNA position 459, one base deleted (T; older notation c.459delT).
Protein change: p.Asp154fs; shifts the reading frame from aspartic acid 154.
Molecular consequence: frameshift variant.
Genome position (GRCh38, 1-based): chr4:150,928,606, A deleted on the plus strand (T on the coding strand, the reverse complement: LRBA is on the minus strand); the first of 2 consecutive A bases (chr4:150,928,606-150,928,607); deleting either gives the same sequence. VCF-style (leftmost placement, unchanged base first): chr4-150928605-CA-C. GRCh37 (hg19) VCF-style: chr4-151849757-CA-C.
Other names: c.458delT, p.Asp154Thrfs (NM_001199282.3, NM_006726.5); c.459del, p.Asp154fs (NM_001367550.1); short protein forms D154fs.
Identifiers: ClinVar variation 1338654 (VCV001338654.4), dbSNP rs2149508421, ClinGen allele CA2573052302.